The following is an entry in ClinVar:

NM_001368894.2(PAX6):c.412_415del (p.Asn138fs)

Gene: PAX6 (paired box 6; minus strand). Cytogenetic location: 11p13.
Variant type: Deletion.
Coding change: c.412_415del on transcript NM_001368894.2 (MANE Select); coding-DNA positions 412 to 415, 4 bases deleted (AACA; older notation c.412_415delAACA).
Protein change: p.Asn138fs; shifts the reading frame from asparagine 138.
Molecular consequence: frameshift variant. On other transcripts: 5 prime UTR variant (14), non-coding transcript variant (2).
Genome position (GRCh38, 1-based): chr11:31,800,841-31,800,844, TGTT deleted on the plus strand (AACA on the coding strand, the reverse complement: PAX6 is on the minus strand); deleting any 4 consecutive bases within chr11:31,800,841-31,800,845 gives the same sequence; the c. name uses the placement nearest the transcript's 3' end. VCF-style (leftmost placement, unchanged base first): chr11-31800840-CTGTT-C. GRCh37 (hg19) VCF-style: chr11-31822388-CTGTT-C.
Other names: c.369_372delAAAC, p.Asn124Glufs (NM_000280.3); c.370_373del, p.Asn124fs (NM_000280.6, NM_001127612.3, NM_001258464.2 and 10 more transcripts); c.412_415del, p.Asn138fs (NM_001258462.3, NM_001258463.2, NM_001310158.2 and 6 more transcripts); c.-39_-36del (NM_001310160.2, NM_001310161.3, NM_001368899.2 and 11 more transcripts); c.613_616del, p.Asn205fs (NM_001368910.2); c.415_418del, p.Asn139fs (NM_001368911.2); c.487_490del, p.Asn163fs (NM_001368918.2, NM_001368919.2); c.445_448del, p.Asn149fs (NM_001368920.2); and 2 more; short protein forms N149fs, N57fs, N124fs, N138fs, N163fs, N71fs, N139fs, N205fs.
Identifiers: ClinVar variation 3572465 (VCV003572465.1).

ClinVar aggregate classification (germline): Pathogenic (1 of 4 stars; one submission).

Submission:

GeneDx
Classification: Pathogenic. Last evaluated: 2024-07-09. Review status: criteria provided, single submitter. Criteria: GeneDx Variant Classification Process June 2021. Collection method: clinical testing. Allele origin: germline. Affected: yes.
Comment: Frameshift variant predicted to result in protein truncation or nonsense mediated decay in a gene for which loss of function is a known mechanism of disease; Not observed at significant frequency in large population cohorts (gnomAD); This variant is associated with the following publications: (PMID: 16617299)